The following is an entry in ClinVar:

ClinVar aggregate classification (germline): Conflicting classifications of pathogenicity. Review status: criteria provided, conflicting classifications (1 of 4 stars). 3 submissions from 3 submitters: Uncertain significance (2); Likely benign (1). Last evaluated 2025-08-28.

Conditions:
Lynch syndrome. Identifiers: Orphanet 144, MedGen C4552100, MONDO:0005835. Disease mechanism: loss of function.
Lynch syndrome 5 (LYNCH5). Also called: Hereditary non-polyposis colorectal cancer, type 5; Colorectal cancer, hereditary nonpolyposis, type 5. Identifiers: Orphanet 144, MedGen C1833477, MONDO:0013710, OMIM 614350. Disease mechanism: loss of function.
Hereditary cancer-predisposing syndrome. Also called: Tumor predisposition; Neoplastic Syndromes, Hereditary; Hereditary Cancer Syndrome; Hereditary neoplastic syndrome. Identifiers: Orphanet 140162, MedGen C0027672, MeSH D009386, MONDO:0015356.

Allele frequency attached by ClinVar (database versions not stated): gnomAD 0.00001; gnomAD exomes 0.00001 and 0.00003.
gnomAD v4.1: 41 of 1,613,994 alleles (0.0025%); highest among the groups gnomAD compares: Non-Finnish European, 0.0033%; no homozygotes.

Submissions (3):

Ambry Genetics
Classification: Uncertain significance for Hereditary cancer-predisposing syndrome. Last evaluated: 2025-08-28. Review status: criteria provided, single submitter. Criteria: Ambry Variant Classification Scheme 2023. Collection method: clinical testing. Allele origin: germline.

All of Us Research Program, National Institutes of Health
Classification: Uncertain significance for Lynch syndrome. Last evaluated: 2024-09-23. Review status: criteria provided, single submitter. Criteria: ACMG Guidelines, 2015. Collection method: clinical testing. Allele origin: germline. Inheritance: Autosomal dominant inheritance. Observed: 11 variant alleles, 11 heterozygotes.
Comment: This missense variant replaces glycine with serine at codon 881 of the MSH6 protein. Computational prediction suggests that this variant may not impact protein structure and function (internally defined REVEL score threshold <= 0.5, PMID: 27666373). To our knowledge, functional studies have not been reported for this variant. This variant has not been reported in individuals affected with MSH6-related disorders in the literature. This variant has been identified in 3/250448 chromosomes in the general population by the Genome Aggregation Database (gnomAD). The available evidence is insufficient to determine the role of this variant in disease conclusively. Therefore, this variant is classified as a Variant of Uncertain Significance.

This study involves interpretation of variants in research participants for the purpose of population health screening. Participant phenotype was not available at the time of variant classification. Additional details can be found in publication PMID: 35346344, PMCID: PMC8962531

Mendelics
Classification: Likely benign for Lynch syndrome 5. Last evaluated: 2019-05-28. Review status: criteria provided, single submitter. Criteria: Mendelics Assertion Criteria 2017. Collection method: clinical testing. Allele origin: unknown.

NM_000179.3(MSH6):c.2641G>A (p.Gly881Ser)

Gene: MSH6 (mutS homolog 6; plus strand). Cytogenetic location: 2p16.3.
Variant type: single nucleotide variant.
Coding change: c.2641G>A on transcript NM_000179.3 (MANE Select); coding-DNA position 2641, G replaced by A.
Protein change: p.Gly881Ser; replaces glycine 881 with serine.
Molecular consequence: missense variant.
Genome position (GRCh38, 1-based): chr2:47,800,624, G>A. VCF-style: chr2-47800624-G-A. GRCh37 (hg19) VCF-style: chr2-48027763-G-A.
Other names: c.2251G>A, p.Gly751Ser (NM_001281492.2); c.1735G>A, p.Gly579Ser (NM_001281493.2, NM_001281494.2); c.2641G>A (NM_000179.2); short protein forms G751S, G579S, G881S.
Identifiers: ClinVar variation 801699 (VCV000801699.4), dbSNP rs998186339, ClinGen allele CA46711385.